The following is an entry in ClinVar:

ClinVar aggregate classification (germline): Pathogenic (1 of 4 stars; one submission).

Conditions:
Peroxisome biogenesis disorder 3A (Zellweger). Also called: Peroxisome biogenesis disorder 3A; PEROXISOMAL BIOGENESIS DISORDER 3A (ZELLWEGER). Identifiers: Orphanet 912, MedGen C3553929, MONDO:0013927, OMIM 614859.

Submission:

Labcorp Genetics (formerly Invitae), Labcorp
Classification: Pathogenic for Peroxisome biogenesis disorder 3A (Zellweger). Last evaluated: 2023-08-18. Review status: criteria provided, single submitter. Criteria: Invitae Variant Classification Sherloc (09022015). Collection method: clinical testing. Allele origin: germline.
Comment: This variant has not been reported in the literature in individuals affected with PEX12-related conditions. For these reasons, this variant has been classified as Pathogenic. This variant is not present in population databases (gnomAD no frequency). This sequence change creates a premature translational stop signal (p.Ala2Leufs*23) in the PEX12 gene. It is expected to result in an absent or disrupted protein product. Loss-of-function variants in PEX12 are known to be pathogenic (PMID: 9090384, 9632816, 21031596).

Literature cited by the submitters: PubMed 9090384; PubMed 9632816; PubMed 21031596.

NM_000286.3(PEX12):c.4del (p.Ala2fs)

Gene: PEX12 (peroxisomal biogenesis factor 12; minus strand). Cytogenetic location: 17q12.
Variant type: Deletion.
Coding change: c.4del on transcript NM_000286.3 (MANE Select); coding-DNA position 4, one base deleted (G; older notation c.4delG).
Protein change: p.Ala2fs; shifts the reading frame from alanine 2.
Molecular consequence: frameshift variant, initiator codon variant.
Genome position (GRCh38, 1-based): chr17:35,578,018, C deleted on the plus strand (G on the coding strand, the reverse complement: PEX12 is on the minus strand); the first of 2 consecutive C bases (chr17:35,578,018-35,578,019); deleting either gives the same sequence. VCF-style (leftmost placement, unchanged base first): chr17-35578017-GC-G. GRCh37 (hg19) VCF-style: chr17-33905036-GC-G.
Other names: short protein forms A2fs.
Identifiers: ClinVar variation 2753705 (VCV002753705.3), dbSNP rs2509171674, ClinGen allele CA2697559839.